The following is an entry in ClinVar:

NM_000077.5(CDKN2A):c.151-14G>A

Gene: CDKN2A (cyclin dependent kinase inhibitor 2A; minus strand). Cytogenetic location: 9p21.3.
Variant type: single nucleotide variant.
Coding change: c.151-14G>A on transcript NM_000077.5 (MANE Select); 14 bases into the intron before coding-DNA position 151, G replaced by A.
Molecular consequence: intron variant.
Genome position (GRCh38, 1-based): chr9:21,971,222, C>T on the plus strand (G>A on the coding strand, the complement: CDKN2A is on the minus strand). VCF-style: chr9-21971222-C-T. GRCh37 (hg19) VCF-style: chr9-21971221-C-T.
Other names: c.-3-14G>A (NM_001363763.2); c.194-14G>A (NM_058195.4); c.151-14G>A (NM_001195132.2); c.*74-14G>A (NM_058197.5).
Identifiers: ClinVar variation 371946 (VCV000371946.9), dbSNP rs767030551, ClinGen allele CA5012222.

ClinVar aggregate classification (germline): Benign/Likely benign. Review status: criteria provided, multiple submitters, no conflicts (2 of 4 stars). 6 submissions from 6 submitters: Benign (3); Likely benign (2). 1 of the submissions does not count toward it. Last evaluated 2026-01-21.

Conditions:
Familial melanoma. Also called: Hereditary melanoma; Hereditary cutaneous melanoma. Identifiers: Orphanet 618, MedGen C1512419, MONDO:0018961.
Melanoma and neural system tumor syndrome. Also called: MELANOMA-ASTROCYTOMA SYNDROME. Identifiers: Orphanet 252206, MedGen C1835042, MONDO:0007967, OMIM 155755.
Melanoma, cutaneous malignant, susceptibility to, 2 (CMM2). Also called: CDKN2A-Related Cutaneous Malignant Melanoma; Cutaneous malignant melanoma 2. Identifiers: Orphanet 618, MedGen C1835044, MONDO:0007964, OMIM 155601.
Melanoma-pancreatic cancer syndrome. Identifiers: Orphanet 404560, MedGen C1838547, MONDO:0011713, OMIM 606719. Disease mechanism: loss of function.
Hereditary cancer-predisposing syndrome. Also called: Neoplastic Syndromes, Hereditary; Hereditary neoplastic syndrome; Hereditary Cancer Syndrome; Tumor predisposition. Identifiers: Orphanet 140162, MedGen C0027672, MeSH D009386, MONDO:0015356.

Allele frequency attached by ClinVar (database versions not stated): gnomAD exomes 0.00004; TOPMed 0.00010; gnomAD 0.00016 and 0.00007.
gnomAD v4.1: 69 of 1,594,904 alleles (0.0043%); highest among the groups gnomAD compares: East Asian, 0.14%; no homozygotes.

Submissions (6):

Labcorp Genetics (formerly Invitae), Labcorp
Classification: Benign for Familial melanoma. Last evaluated: 2026-01-21. Review status: criteria provided, single submitter. Criteria: Invitae Variant Classification Sherloc (09022015). Collection method: clinical testing. Allele origin: germline.

Department of Pathology and Laboratory Medicine, Sinai Health System
Classification: Likely benign for Melanoma, cutaneous malignant, susceptibility to, 2; Melanoma and neural system tumor syndrome; Melanoma-pancreatic cancer syndrome. Last evaluated: 2025-01-02. Review status: criteria provided, single submitter. Criteria: ACMG Guidelines, 2015. Collection method: clinical testing. Allele origin: germline.

Myriad Genetics, Inc.
Classification: Likely benign for Melanoma-pancreatic cancer syndrome. Last evaluated: 2023-04-20. Review status: criteria provided, single submitter. Criteria: Myriad Autosomal Dominant, Autosomal Recessive and X-Linked Classification Criteria (2023). Collection method: clinical testing. Allele origin: unknown.
Comment: This variant is considered likely benign. This variant is intronic and is not expected to impact mRNA splicing.

Color Diagnostics, LLC DBA Color Health
Classification: Benign for Hereditary cancer-predisposing syndrome. Last evaluated: 2016-11-29. Review status: criteria provided, single submitter. Criteria: ACMG Guidelines, 2015. Collection method: clinical testing. Allele origin: germline.

GeneDx
Classification: Benign. Last evaluated: 2015-03-17. Review status: criteria provided, single submitter. Criteria: GeneDx Variant Classification (06012015). Collection method: clinical testing. Allele origin: germline. Affected: yes.
Comment: This variant is considered likely benign or benign based on one or more of the following criteria: it is a conservative change, it occurs at a poorly conserved position in the protein, it is predicted to be benign by multiple in silico algorithms, and/or has population frequency not consistent with disease.

Counsyl
Classification: Likely benign for Melanoma-pancreatic cancer syndrome. Last evaluated: 2016-09-06. Review status: no assertion criteria provided. Collection method: clinical testing. Allele origin: unknown. Not counted in ClinVar's aggregate classification.